The following is an entry in ClinVar:

NM_000548.5(TSC2):c.2838-11T>C

Gene: TSC2 (TSC complex subunit 2; plus strand). Cytogenetic location: 16p13.3.
Variant type: single nucleotide variant.
Coding change: c.2838-11T>C on transcript NM_000548.5 (MANE Select); 11 bases into the intron before coding-DNA position 2838, T replaced by C.
Molecular consequence: intron variant.
Genome position (GRCh38, 1-based): chr16:2,077,587, T>C. VCF-style: chr16-2077587-T-C. GRCh37 (hg19) VCF-style: chr16-2127588-T-C.
Other names: c.2838-11T>C (NM_001114382.3); c.2837+1002T>C (NM_021055.3, NM_001370405.1, NM_001363528.2 and 2 more transcripts); c.2726+1002T>C (NM_001318827.2); c.2237+1002T>C (NM_001318831.2); c.2690+1002T>C (NM_001318829.2); c.2870+1002T>C (NM_001318832.2).
Identifiers: ClinVar variation 1567276 (VCV001567276.9), dbSNP rs2151412800, ClinGen allele CA2573151603.

ClinVar aggregate classification (germline): Likely benign. Review status: criteria provided, multiple submitters, no conflicts (2 of 4 stars). 2 submissions from 2 submitters: Likely benign (2). Last evaluated 2025-10-29.

Conditions:
Tuberous sclerosis 2 (TSC2). Identifiers: Orphanet 805, MedGen C1860707, MONDO:0013199, OMIM 613254.

Submissions (2):

Labcorp Genetics (formerly Invitae), Labcorp
Classification: Likely benign for Tuberous sclerosis 2. Last evaluated: 2025-10-29. Review status: criteria provided, single submitter. Criteria: Invitae Variant Classification Sherloc (09022015). Collection method: clinical testing. Allele origin: germline.

Myriad Genetics, Inc.
Classification: Likely benign for Tuberous sclerosis 2. Last evaluated: 2025-05-27. Review status: criteria provided, single submitter. Criteria: Myriad Autosomal Dominant, Autosomal Recessive and X-Linked Classification Criteria (2023). Collection method: clinical testing. Allele origin: unknown.
Comment: This variant is considered likely benign. This variant is intronic and is not expected to impact mRNA splicing.